The following is an entry in ClinVar:

NM_018130.3(SHQ1):c.997C>G (p.Leu333Val)

Gene: SHQ1 (SHQ1, H/ACA ribonucleoprotein assembly factor; minus strand). Cytogenetic location: 3p13.
Variant type: single nucleotide variant.
Coding change: c.997C>G on transcript NM_018130.3 (MANE Select); coding-DNA position 997, C replaced by G.
Protein change: p.Leu333Val; replaces leucine 333 with valine.
Molecular consequence: missense variant.
Genome position (GRCh38, 1-based): chr3:72,812,734, G>C on the plus strand (C>G on the coding strand, the complement: SHQ1 is on the minus strand). VCF-style: chr3-72812734-G-C. GRCh37 (hg19) VCF-style: chr3-72861885-G-C.
Other names: c.997C>G (NM_018130.2); short protein forms L333V.
Identifiers: ClinVar variation 2687777 (VCV002687777.5), dbSNP rs759531964, ClinGen allele CA2492415.

ClinVar aggregate classification (germline): Conflicting classifications of pathogenicity. Review status: criteria provided, conflicting classifications (1 of 4 stars). 5 submissions from 5 submitters: Pathogenic (1); Likely pathogenic (3); Uncertain significance (1). Last evaluated 2026-02-18.

Conditions:
SHQ1-related disorder. Also called: SHQ1-related condition; SHQ1-Related Disorders.
Neurodevelopmental disorder with dystonia and seizures (NEDDS). Identifiers: MedGen C5677004, MONDO:0859258, OMIM 619922.

Allele frequency attached by ClinVar (database versions not stated): gnomAD 0.00001; TOPMed 0.00001; ExAC 0.00002.
gnomAD v4.1: 2 of 1,613,942 alleles (0.00012%); highest among the groups gnomAD compares: East Asian, 0.0045%; no homozygotes.

Submissions (5):

PreventionGenetics, part of Exact Sciences
Classification: Likely pathogenic for SHQ1-related condition. Last evaluated: 2026-02-18. Review status: criteria provided, single submitter. Criteria: ACMG Guidelines, 2015. Collection method: clinical testing. Allele origin: germline.
Comment: The SHQ1 c.997C>G variant is predicted to result in the amino acid substitution p.Leu333Val. This variant has reported in the compound heterozygous and homozygous state in individuals with hypotonia and paroxysmal dystonia (Chi et al. 2023. PubMed ID: 36847845). This variant is reported in 0.025% of alleles in individuals of East Asian descent in gnomAD. In vivo and in vitro functional studies show that the p.Leu333Val variant impacts neuronal migration and leads to decreased protein stability (Chi et al. 2023. PubMed ID: 36847845; Chang et al. 2024. PubMed ID: 39326821). This variant is interpreted as likely pathogenic.

Medical and Scientific Branch, Hong Kong Genome Institute
Classification: Likely pathogenic for Neurodevelopmental disorder with dystonia and seizures. Last evaluated: 2026-01-26. Review status: criteria provided, single submitter. Criteria: ACMG Guidelines, 2015. Collection method: clinical testing. Allele origin: maternal. Affected: yes.

Ambry Genetics
Classification: Pathogenic. Last evaluated: 2025-11-24. Review status: criteria provided, single submitter. Criteria: Ambry Variant Classification Scheme 2023. Collection method: clinical testing. Allele origin: germline.
Comment: The c.997C>G (p.L333V) alteration is located in coding exon 9 of the SHQ1 gene. This alteration results from a C to G substitution at nucleotide position 997, causing the leucine (L) at amino acid position 333 to be replaced by a valine (V). Based on data from gnomAD, the G allele has an overall frequency of 0.002% (5/282848) total alleles studied. The highest observed frequency was 0.025% (5/19950) of East Asian alleles. This variant has been identified in the homozygous state and/or in conjunction with other SHQ1 variant(s) in individual(s) with features consistent with SHQ1-related neurodevelopmental disorder; in at least one instance, the variants were identified in trans (Chi, 2024; Ambry internal data). This amino acid position is highly conserved in available vertebrate species. In an assay testing SHQ1 function, this variant showed a functionally abnormal result (Chi, 2023). This alteration is predicted to be deleterious by in silico analysis. Based on the available evidence, this alteration is classified as pathogenic.

3billion
Classification: Uncertain significance for Neurodevelopmental disorder with dystonia and seizures. Last evaluated: 2025-01-06. Review status: criteria provided, single submitter. Criteria: ACMG Guidelines, 2015. Collection method: clinical testing. Allele origin: germline. Affected: yes.
Comment: The variant is observed at an extremely low frequency in the gnomAD v4.1.0 dataset (total allele frequency: <0.001%). Predicted Consequence/Location: Missense variant Functional studies provide moderate evidence of the variant having a damaging effect on the gene or gene product (PMID: 36847845). The same nucleotide change resulting in the same amino acid change has been previously reported to be associated with SHQ1-related disorder (ClinVar ID: VCV002687777 /PMID: 36847845). However, the evidence of pathogenicity is insufficient at this time. Therefore, this variant is classified as VUS according to the recommendation of ACMG/AMP guideline.

Diagnostics Services (NGS), CSIR - Centre For Cellular And Molecular Biology
Classification: Likely pathogenic for Neurodevelopmental disorder with dystonia and seizures. Last evaluated: 2024-01-23. Review status: criteria provided, single submitter. Criteria: ACMG Guidelines, 2015. Collection method: clinical testing. Allele origin: germline. Affected: yes. Observed: 1 variant allele, 1 homozygote.
Comment: The c.997C>G variant is not present in publicly available population databases like 1000 Genomes, EVS, Indian Exome Database or our in-house exome database. The variant is present in ExAC and gnomAD at low frequencies. This variant has been recently observed in individuals with SHQ1-related conditions and published in literature [PMID: 36847845]. It has not been reported to the clinical databases like ClinVar, Human Genome Mutation Database (HGMD) or OMIM, in any affected individuals. In-silico pathogenicity prediction programs like SIFT, PolyPhen-2, MutationTaster2, CADD etc predicted this variant to be likely deleterious. Functional studies showed that this variant affects the protein function [PMID: 36847845].

Literature cited by the submitters: PubMed 36847845 (cited by 3 submitters); PubMed 38789118 (cited by Ambry Genetics).